The following is an entry in ClinVar:

ClinVar aggregate classification (germline): Uncertain significance. Review status: criteria provided, multiple submitters, no conflicts (2 of 4 stars). 2 submissions from 2 submitters: Uncertain significance (2). Last evaluated 2021-09-01.

Conditions:
Cryptosporidiosis-chronic cholangitis-liver disease syndrome. Also called: IL21R immunodeficiency; Immunodeficiency type 56. Identifiers: Orphanet 357329, MedGen C3554687, MONDO:0014082, OMIM 615207.

Allele frequency attached by ClinVar (database versions not stated): TOPMed 0.00001; gnomAD exomes below 0.00001 and 0.00001.

Submissions (2):

Labcorp Genetics (formerly Invitae), Labcorp
Classification: Uncertain significance for Cryptosporidiosis-chronic cholangitis-liver disease syndrome. Last evaluated: 2021-09-01. Review status: criteria provided, single submitter. Criteria: Invitae Variant Classification Sherloc (09022015). Collection method: clinical testing. Allele origin: germline.
Comment: This sequence change replaces isoleucine with threonine at codon 267 of the IL21R protein (p.Ile267Thr). The isoleucine residue is weakly conserved and there is a moderate physicochemical difference between isoleucine and threonine. This variant is not present in population databases (ExAC no frequency). This variant has not been reported in the literature in individuals affected with IL21R-related conditions. Algorithms developed to predict the effect of missense changes on protein structure and function are either unavailable or do not agree on the potential impact of this missense change (SIFT: "Deleterious"; PolyPhen-2: "Benign"; Align-GVGD: "Class C0"). In summary, the available evidence is currently insufficient to determine the role of this variant in disease. Therefore, it has been classified as a Variant of Uncertain Significance.

Laboratorio de Genetica e Diagnostico Molecular, Hospital Israelita Albert Einstein
Classification: Uncertain significance for Cryptosporidiosis-chronic cholangitis-liver disease syndrome. Last evaluated: 2021-02-23. Review status: criteria provided, single submitter. Criteria: ACMG Guidelines, 2015. Collection method: clinical testing. Allele origin: germline. Affected: yes.
Comment: ACMG classification criteria: PM2, BP4 supporting

NM_181078.3(IL21R):c.800T>C (p.Ile267Thr)

Gene: IL21R (interleukin 21 receptor; plus strand). Cytogenetic location: 16p12.1.
Variant type: single nucleotide variant.
Coding change: c.800T>C on transcript NM_181078.3 (MANE Select); coding-DNA position 800, T replaced by C.
Protein change: p.Ile267Thr; replaces isoleucine 267 with threonine.
Molecular consequence: missense variant.
Genome position (GRCh38, 1-based): chr16:27,446,021, T>C. VCF-style: chr16-27446021-T-C. GRCh37 (hg19) VCF-style: chr16-27457342-T-C.
Other names: c.800T>C, p.Ile267Thr (NM_021798.4); c.866T>C, p.Ile289Thr (NM_181079.5); short protein forms I267T, I289T.
Identifiers: ClinVar variation 942110 (VCV000942110.9), dbSNP rs1303388360, ClinGen allele CA395304983.
Genomic context (GRCh38, chr16:27,446,021, plus strand): 5'-TGCCCTCTGGTGATGTCAGGGTCCTCACCCCTCTCTGCCCCCTCAGGCTATGGAAGAAGA[T>C]ATGGGCCGTCCCCAGCCCTGAGCGGTTCTTCATGCCCCTGTACAAGGGCTGCAGCGGAGA-3'
Protein context (NP_851564.1, residues 257-277): THPLWRLWKK[Ile267Thr]WAVPSPERFF